The following is an entry in ClinVar:

NM_001113378.2(FANCI):c.2566A>C (p.Thr856Pro)

Gene: FANCI (FA complementation group I; plus strand). Cytogenetic location: 15q26.1.
Variant type: single nucleotide variant.
Coding change: c.2566A>C on transcript NM_001113378.2 (MANE Select); coding-DNA position 2566, A replaced by C.
Protein change: p.Thr856Pro; replaces threonine 856 with proline.
Molecular consequence: missense variant. On other transcripts: intron variant (1).
Genome position (GRCh38, 1-based): chr15:89,295,024, A>C. VCF-style: chr15-89295024-A-C. GRCh37 (hg19) VCF-style: chr15-89838255-A-C.
Other names: c.2287A>C, p.Thr763Pro (NM_001376910.1); c.2566A>C, p.Thr856Pro (NM_001376911.1); c.2456+1027A>C (NM_018193.3); short protein forms T763P, T856P.
Identifiers: ClinVar variation 1508551 (VCV001508551.5), dbSNP rs541976745, ClinGen allele CA7723408.

ClinVar aggregate classification (germline): Uncertain significance (1 of 4 stars; one submission).

Conditions:
Fanconi anemia (FA). Also called: Fanconi's anemia. Identifiers: Orphanet 84, MedGen C0015625, MeSH D005199, MONDO:0019391.

Allele frequency attached by ClinVar (database versions not stated): TOPMed below 0.00001; ExAC 0.00004; 1000 Genomes Project 30x 0.00031; 1000 Genomes Project 0.00060.
gnomAD v4.1: 19 of 1,552,308 alleles (0.0012%); highest among the groups gnomAD compares: South Asian, 0.023%; no homozygotes.

Submission:

Labcorp Genetics (formerly Invitae), Labcorp
Classification: Uncertain significance for Fanconi anemia. Last evaluated: 2021-08-30. Review status: criteria provided, single submitter. Criteria: Invitae Variant Classification Sherloc (09022015). Collection method: clinical testing. Allele origin: germline.
Comment: This sequence change replaces threonine with proline at codon 856 of the FANCI protein (p.Thr856Pro). The threonine residue is moderately conserved and there is a small physicochemical difference between threonine and proline. This variant is present in population databases (rs541976745, ExAC 0.01%). This variant has not been reported in the literature in individuals affected with FANCI-related conditions. Algorithms developed to predict the effect of missense changes on protein structure and function are either unavailable or do not agree on the potential impact of this missense change (SIFT: "Deleterious"; PolyPhen-2: "Benign"; Align-GVGD: "Class C0"). In summary, the available evidence is currently insufficient to determine the role of this variant in disease. Therefore, it has been classified as a Variant of Uncertain Significance.